The following is an entry in ClinVar:

ClinVar aggregate classification (germline): Likely pathogenic (1 of 4 stars; one submission).

Conditions:
Tuberous sclerosis 2 (TSC2). Identifiers: Orphanet 805, MedGen C1860707, MONDO:0013199, OMIM 613254.

Submission:

Illumina Laboratory Services, Illumina
Classification: Likely pathogenic for Tuberous sclerosis 2. Last evaluated: 2023-08-07. Review status: criteria provided, single submitter. Criteria: ICSLVariantClassificationCriteria RUGD 01 April 2020. Collection method: clinical testing. Allele origin: unknown.
Comment: The TSC2 c.3337del (p.Glu1113SerfsTer78) variant causes a shift in the protein reading frame that is predicted to result in premature termination of the protein. Loss of normal protein function through either protein truncation or nonsense-mediated mRNA decay is expected. This variant is not observed in version 2.1.1 or version 3.1.2 of the Genome Aggregation Database. Based on the available evidence, the c.3337del (p.Glu1113SerfsTer78) variant is classified as likely pathogenic for tuberous sclerosis complex.

NM_000548.5(TSC2):c.3337del (p.Glu1113fs)

Gene: TSC2 (TSC complex subunit 2; plus strand). Cytogenetic location: 16p13.3.
Variant type: Deletion.
Coding change: c.3337del on transcript NM_000548.5 (MANE Select); coding-DNA position 3337, one base deleted (G; older notation c.3337delG).
Protein change: p.Glu1113fs; shifts the reading frame from glutamic acid 1113.
Molecular consequence: frameshift variant. On other transcripts: non-coding transcript variant (5).
Genome position (GRCh38, 1-based): chr16:2,079,609, G deleted; the last of 2 consecutive G bases (chr16:2,079,608-2,079,609); deleting either gives the same sequence. VCF-style (leftmost placement, unchanged base first): chr16-2079607-TG-T. GRCh37 (hg19) VCF-style: chr16-2129608-TG-T.
Other names: c.3205del, p.Glu1069fs (NM_001077183.3, NM_001370404.1, NM_001406665.1); c.3337del, p.Glu1113fs (NM_001114382.3); c.3097del, p.Glu1033fs (NM_001318827.2); c.3061del, p.Glu1021fs (NM_001318829.2); c.2605del, p.Glu869fs (NM_001318831.2, NM_001406687.1, NM_001406688.1); c.3238del, p.Glu1080fs (NM_001318832.2); c.3208del, p.Glu1070fs (NM_001363528.2, NM_001370405.1, NM_021055.3); c.3334del, p.Glu1112fs (NM_001406663.1, NM_001406664.1); and 18 more; short protein forms E1020fs, E1021fs, E1032fs, E1033fs, E1050fs, E1063fs, E1064fs, E1065fs.
Identifiers: ClinVar variation 2627916 (VCV002627916.1), dbSNP rs397515144, ClinGen allele CA2586963933.